The following is an entry in ClinVar:

ClinVar aggregate classification (germline): Pathogenic (0 of 4 stars; one submission).

Conditions:
Febrile seizure (within the age range of 3 months to 6 years). Also called: Febrile seizures; febrile convulsion; Febrile seizure. Identifiers: MedGen C0009952, HP:0002373.
Color vision defect. Identifiers: MedGen C0234629, HP:0000551.
Seizure. Also called: Seizures. Identifiers: MedGen C0036572, HP:0001250.

Submission:

Epilepsy and Neurogenetic Laboratory, Kaohsiung Chang Gung Memorial Hospital
Classification: Pathogenic for Febrile seizure (within the age range of 3 months to 6 years); Color vision defect; Seizure. Last evaluated: 2022-02-10. Review status: no assertion criteria provided. Collection method: research. Allele origin: de novo. Inheritance: Sporadic. Affected: yes. Observed: 1 heterozygote.
Comment: The variant is de novo in origin by Sanger sequencing. Functional study demonstrated that the variant cause gain of function change of the HCN1 channels. Based on ACMG guideline (PS2+PS3+PM1+PM2+PP3), this variant can be classified as pathogenic (Mckenzie et al. 2022 Front Neurol).

NM_021072.4(HCN1):c.737A>C (p.Glu246Ala)

Gene: HCN1 (hyperpolarization activated cyclic nucleotide gated potassium channel 1; minus strand). Cytogenetic location: 5p12.
Variant type: single nucleotide variant.
Coding change: c.737A>C on transcript NM_021072.4 (MANE Select); coding-DNA position 737, A replaced by C.
Protein change: p.Glu246Ala; replaces glutamic acid 246 with alanine.
Molecular consequence: missense variant.
Genome position (GRCh38, 1-based): chr5:45,645,297, T>G on the plus strand (A>C on the coding strand, the complement: HCN1 is on the minus strand). VCF-style: chr5-45645297-T-G. GRCh37 (hg19) VCF-style: chr5-45645399-T-G.
Other names: short protein forms E246A.
Identifiers: ClinVar variation 1341556 (VCV001341556.3), dbSNP rs2112031854, ClinGen allele CA359707225.
Genomic context (GRCh38, chr5:45,645,297, plus strand): 5'-AAGAGACTGAGAATTTTTGTAAACCTCACAATGCGAAGTGCCCTGGCTGTCTTGTAAACT[T>G]CAGAATCCATTCCTTTTTCTACAATAAGAAAGATATAATCCACTGGGATGGATGAGATGA-3'
Protein context (NP_066550.2, residues 236-256): FLIVEKGMDS[Glu246Ala]VYKTARALRI